The following is an entry in ClinVar:

ClinVar aggregate classification (germline): Likely benign (0 of 4 stars; one submission).

Conditions:
FCSK-related disorder. Also called: FCSK-related condition.

Allele frequency attached by ClinVar (database versions not stated): gnomAD 0.00006; TOPMed 0.00010.
gnomAD v4.1: 237 of 1,526,730 alleles (0.016%); highest among the groups gnomAD compares: Non-Finnish European, 0.019%; no homozygotes.

Submission:

PreventionGenetics, part of Exact Sciences
Classification: Likely benign for FCSK-related condition. Last evaluated: 2020-04-13. Review status: no assertion criteria provided. Collection method: clinical testing. Allele origin: germline.
Comment: This variant is classified as likely benign based on ACMG/AMP sequence variant interpretation guidelines (Richards et al. 2015 PMID: 25741868, with internal and published modifications).

NM_145059.3(FCSK):c.1716G>A (p.Pro572=)

Gene: FCSK (fucose kinase; plus strand). Cytogenetic location: 16q22.1.
Variant type: single nucleotide variant.
Coding change: c.1716G>A on transcript NM_145059.3 (MANE Select); coding-DNA position 1716, G replaced by A.
Protein change: p.Pro572=; no amino-acid change (proline 572 retained).
Molecular consequence: synonymous variant.
Genome position (GRCh38, 1-based): chr16:70,473,292, G>A. VCF-style: chr16-70473292-G-A. GRCh37 (hg19) VCF-style: chr16-70507195-G-A.
Identifiers: ClinVar variation 3054216 (VCV003054216.2), dbSNP rs763450125, ClinGen allele CA8143409.